The following is an entry in ClinVar:

NM_000133.4(F9):c.277+102G>C

Gene: F9 (coagulation factor IX; plus strand). Cytogenetic location: Xq27.1.
Variant type: single nucleotide variant.
Coding change: c.277+102G>C on transcript NM_000133.4 (MANE Select); 102 bases into the intron after coding-DNA position 277, G replaced by C.
Molecular consequence: intron variant.
Genome position (GRCh38, 1-based): chrX:139,537,488, G>C. VCF-style: chrX-139537488-G-C. GRCh37 (hg19) VCF-style: chrX-138619647-G-C.
Other names: c.277+102G>C (NM_001313913.2).
Identifiers: ClinVar variation 4083793 (VCV004083793.8).

ClinVar aggregate classification (germline): Benign (1 of 4 stars; one submission).

gnomAD v4.1: 960 of 707,194 alleles (0.14%); highest among the groups gnomAD compares: African/African-American, 1.8%; 8 homozygotes.

Submission:

CeGaT Center for Human Genetics Tuebingen
Classification: Benign. Last evaluated: 2026-07-01. Review status: criteria provided, single submitter. Criteria: CeGaT Center For Human Genetics Tuebingen Variant Classification Criteria Version 2. Collection method: clinical testing. Allele origin: germline. Affected: yes. Observed: 2 variant alleles.
Comment: F9: BS1, BS2